The following is an entry in ClinVar:

ClinVar aggregate classification (germline): Likely benign (1 of 4 stars; one submission).

Submission:

CeGaT Center for Human Genetics Tuebingen
Classification: Likely benign. Last evaluated: 2026-01-01. Review status: criteria provided, single submitter. Criteria: CeGaT Center For Human Genetics Tuebingen Variant Classification Criteria Version 2. Collection method: clinical testing. Allele origin: germline. Affected: yes. Observed: 1 variant allele.
Comment: ODC1: BP4, BS1

NM_002539.3(ODC1):c.276+7G>A

Gene: ODC1 (ornithine decarboxylase 1; minus strand). Cytogenetic location: 2p25.1.
Variant type: single nucleotide variant.
Coding change: c.276+7G>A on transcript NM_002539.3 (MANE Select); 7 bases into the intron after coding-DNA position 276, G replaced by A.
Molecular consequence: intron variant.
Genome position (GRCh38, 1-based): chr2:10,444,467, C>T on the plus strand (G>A on the coding strand, the complement: ODC1 is on the minus strand). VCF-style: chr2-10444467-C-T. GRCh37 (hg19) VCF-style: chr2-10584593-C-T.
Other names: c.-112+7G>A (NM_001287188.2); c.276+7G>A (NM_001287190.2, NM_001287189.2).
Identifiers: ClinVar variation 4820856 (VCV004820856.4).
Genomic context (GRCh38, chr2:10,444,467, plus strand): 5'-ATCTGCCTCGTGGGGAATACCAGGCCCATTTTATACAACGCTTTTGAGGCCTGCTGCTAT[C>T]GCTTACCTTGCTAGCACAGTCAAATCCTGTCCCGGTAGCAGCAAGGGTCTTCACGATGGC-3'